The following is an entry in ClinVar:

ClinVar aggregate classification (germline): Uncertain significance (1 of 4 stars; one submission).

Submission:

Labcorp Genetics (formerly Invitae), Labcorp
Classification: Uncertain significance. Last evaluated: 2022-06-13. Review status: criteria provided, single submitter. Criteria: Invitae Variant Classification Sherloc (09022015). Collection method: clinical testing. Allele origin: germline.
Comment: This variant has not been reported in the literature in individuals affected with MAPKBP1-related conditions. In summary, the available evidence is currently insufficient to determine the role of this variant in disease. Therefore, it has been classified as a Variant of Uncertain Significance. Algorithms developed to predict the effect of missense changes on protein structure and function are either unavailable or do not agree on the potential impact of this missense change (SIFT: "Tolerated"; PolyPhen-2: "Possibly Damaging"; Align-GVGD: "Class C0"). This variant is not present in population databases (gnomAD no frequency). This sequence change replaces asparagine, which is neutral and polar, with serine, which is neutral and polar, at codon 174 of the MAPKBP1 protein (p.Asn174Ser).

NM_014994.3(MAPKBP1):c.521A>G (p.Asn174Ser)

Gene: MAPKBP1 (mitogen-activated protein kinase binding protein 1; plus strand). Cytogenetic location: 15q15.1.
Variant type: single nucleotide variant.
Coding change: c.521A>G on transcript NM_014994.3 (MANE Select); coding-DNA position 521, A replaced by G.
Protein change: p.Asn174Ser; replaces asparagine 174 with serine.
Molecular consequence: missense variant. On other transcripts: non-coding transcript variant (2).
Genome position (GRCh38, 1-based): chr15:41,812,538, A>G. VCF-style: chr15-41812538-A-G. GRCh37 (hg19) VCF-style: chr15-42104736-A-G.
Other names: c.521A>G, p.Asn174Ser (NM_001128608.2, NM_001265611.2); short protein forms N174S.
Identifiers: ClinVar variation 1949153 (VCV001949153.5), dbSNP rs2551098479, ClinGen allele CA391852873.